The following is an entry in ClinVar:

ClinVar aggregate classification (germline): Uncertain significance. Review status: criteria provided, multiple submitters, no conflicts (2 of 4 stars). 2 submissions from 2 submitters: Uncertain significance (2). Last evaluated 2023-09-15.

Conditions:
UBE3A-related disorder. Also called: UBE3A-related condition.
Angelman syndrome (AS). Also called: HAPPY PUPPET SYNDROME. Identifiers: Orphanet 72, MedGen C0162635, MONDO:0007113, OMIM 105830. Disease mechanism: loss of function. Inheritance: AS is caused by disruption of maternally imprinted UBE3A located within the 15q11.2-q13 Angelman syndrome/Prader-Willi syndrome (AS/PWS) region., imprinting disorder.

Submissions (2):

PreventionGenetics, part of Exact Sciences
Classification: Uncertain significance for UBE3A-related condition. Last evaluated: 2023-09-15. Review status: criteria provided, single submitter. Criteria: ACMG Guidelines, 2015. Collection method: clinical testing. Allele origin: germline.
Comment: The UBE3A c.1726T>G variant is predicted to result in the amino acid substitution p.Phe576Val. To our knowledge, this variant has not been reported in the literature or in a large population database, indicating this variant is rare. At this time, the clinical significance of this variant is uncertain due to the absence of conclusive functional and genetic evidence.

Labcorp Genetics (formerly Invitae), Labcorp
Classification: Uncertain significance for Angelman syndrome. Last evaluated: 2022-11-12. Review status: criteria provided, single submitter. Criteria: Invitae Variant Classification Sherloc (09022015). Collection method: clinical testing. Allele origin: germline.
Comment: This variant has not been reported in the literature in individuals affected with UBE3A-related conditions. In summary, the available evidence is currently insufficient to determine the role of this variant in disease. Therefore, it has been classified as a Variant of Uncertain Significance. Advanced modeling of protein sequence and biophysical properties (such as structural, functional, and spatial information, amino acid conservation, physicochemical variation, residue mobility, and thermodynamic stability) has been performed at Invitae for this missense variant, however the output from this modeling did not meet the statistical confidence thresholds required to predict the impact of this variant on UBE3A protein function. ClinVar contains an entry for this variant (Variation ID: 1407369). This variant is not present in population databases (gnomAD no frequency). This sequence change replaces phenylalanine, which is neutral and non-polar, with valine, which is neutral and non-polar, at codon 576 of the UBE3A protein (p.Phe576Val).

NM_130839.5(UBE3A):c.1786T>G (p.Phe596Val)

Genes: SNHG14 (small nucleolar RNA host gene 14; plus strand), UBE3A (ubiquitin protein ligase E3A; minus strand). Cytogenetic location: 15q11.2.
Variant type: single nucleotide variant.
Coding change: c.1786T>G on transcript NM_130839.5 (MANE Select); coding-DNA position 1786, T replaced by G.
Protein change: p.Phe596Val; replaces phenylalanine 596 with valine.
Molecular consequence: missense variant. On other transcripts: non-coding transcript variant (1).
Genome position (GRCh38, 1-based): chr15:25,356,864, A>C on the plus strand (T>G on the coding strand, the complement: UBE3A is on the minus strand). VCF-style: chr15-25356864-A-C. GRCh37 (hg19) VCF-style: chr15-25602011-A-C.
Other names: c.1795T>G, p.Phe599Val (NM_000462.5); c.1786T>G, p.Phe596Val (NM_001354505.1, NM_001354538.2, NM_001354545.2); c.1726T>G, p.Phe576Val (NM_001354506.2, NM_001354507.2, NM_001354508.2 and 17 more transcripts); c.1726T>G (NM_130838.1); c.1609T>G, p.Phe537Val (NM_001354546.2); c.535T>G, p.Phe179Val (NM_001354550.2); c.475T>G, p.Phe159Val (NM_001354551.2); short protein forms F537V, F576V, F596V, F159V, F179V, F599V.
Identifiers: ClinVar variation 1407369 (VCV001407369.6), dbSNP rs2152701089, ClinGen allele CA391352761.